The following is an entry in ClinVar:

ClinVar aggregate classification (germline): Uncertain significance. Review status: criteria provided, multiple submitters, no conflicts (2 of 4 stars). 2 submissions from 2 submitters: Uncertain significance (2). Last evaluated 2025-08-27.

Conditions:
Hereditary cancer-predisposing syndrome. Also called: Neoplastic Syndromes, Hereditary; Tumor predisposition; Hereditary neoplastic syndrome; Hereditary Cancer Syndrome. Identifiers: Orphanet 140162, MedGen C0027672, MeSH D009386, MONDO:0015356.

Submissions (2):

Ambry Genetics
Classification: Uncertain significance for Hereditary cancer-predisposing syndrome. Last evaluated: 2025-08-27. Review status: criteria provided, single submitter. Criteria: Ambry Variant Classification Scheme 2023. Collection method: clinical testing. Allele origin: germline.
Comment: The p.E369G variant (also known as c.1106A>G), located in coding exon 12 of the MUTYH gene, results from an A to G substitution at nucleotide position 1106. The glutamic acid at codon 369 is replaced by glycine, an amino acid with similar properties. This amino acid position is conserved. In addition, this alteration is predicted to be tolerated by in silico analysis. Based on the available evidence, the clinical significance of this variant remains unclear.

Color Diagnostics, LLC DBA Color Health
Classification: Uncertain significance for Hereditary cancer-predisposing syndrome. Last evaluated: 2023-12-05. Review status: criteria provided, single submitter. Criteria: ACMG Guidelines, 2015. Collection method: clinical testing. Allele origin: germline.
Comment: This missense variant replaces glutamic acid with glycine at codon 369 of the MUTYH protein. Computational prediction suggests that this variant may not impact protein structure and function (internally defined REVEL score threshold <= 0.5, PMID: 27666373). To our knowledge, functional studies have not been reported for this variant. This variant has not been reported in individuals affected with MUTYH-related disorders in the literature. This variant has not been identified in the general population by the Genome Aggregation Database (gnomAD). The available evidence is insufficient to determine the role of this variant in disease conclusively. Therefore, this variant is classified as a Variant of Uncertain Significance.

NM_001048174.2(MUTYH):c.1022A>G (p.Glu341Gly)

Gene: MUTYH (mutY DNA glycosylase; minus strand). Cytogenetic location: 1p34.1.
Variant type: single nucleotide variant.
Coding change: c.1022A>G on transcript NM_001048174.2 (MANE Select); coding-DNA position 1022, A replaced by G.
Protein change: p.Glu341Gly; replaces glutamic acid 341 with glycine.
Molecular consequence: missense variant. On other transcripts: non-coding transcript variant (2).
Genome position (GRCh38, 1-based): chr1:45,331,741, T>C on the plus strand (A>G on the coding strand, the complement: MUTYH is on the minus strand). VCF-style: chr1-45331741-T-C. GRCh37 (hg19) VCF-style: chr1-45797413-T-C.
Other names: c.1022A>G, p.Glu341Gly (NM_001048171.2, NM_001048173.2, NM_001293195.2); c.1025A>G, p.Glu342Gly (NM_001048172.2); c.1106A>G, p.Glu369Gly (NM_001128425.2); c.1067A>G, p.Glu356Gly (NM_001293190.2); c.1055A>G, p.Glu352Gly (NM_001293191.2); c.746A>G, p.Glu249Gly (NM_001293192.2, NM_001293196.2); c.677A>G, p.Glu226Gly (NM_001350650.2, NM_001350651.2); c.1097A>G, p.Glu366Gly (NM_012222.3); short protein forms E369G, E352G, E356G, E226G, E342G, E366G, E249G, E341G.
Identifiers: ClinVar variation 628037 (VCV000628037.6), dbSNP rs1557463988, ClinGen allele CA340133547.